The following is an entry in ClinVar:

NM_022893.4(BCL11A):c.1910A>G (p.Lys637Arg)

Gene: BCL11A (BCL11 transcription factor A; minus strand). Cytogenetic location: 2p16.1.
Variant type: single nucleotide variant.
Coding change: c.1910A>G on transcript NM_022893.4 (MANE Select); coding-DNA position 1910, A replaced by G.
Protein change: p.Lys637Arg; replaces lysine 637 with arginine.
Molecular consequence: missense variant. On other transcripts: intron variant (6).
Genome position (GRCh38, 1-based): chr2:60,461,002, T>C on the plus strand (A>G on the coding strand, the complement: BCL11A is on the minus strand). VCF-style: chr2-60461002-T-C. GRCh37 (hg19) VCF-style: chr2-60688137-T-C.
Other names: c.1910A>G, p.Lys637Arg (NM_001405710.1, NM_018014.4, NM_001405708.1 and 1 more transcripts); c.1808A>G, p.Lys603Arg (NM_001405711.1, NM_001405712.1, NM_001405719.1 and 2 more transcripts); c.1754A>G, p.Lys585Arg (NM_001405713.1, NM_001405714.1, NM_001405715.1 and 3 more transcripts); c.1652A>G, p.Lys551Arg (NM_001405717.1, NM_001405718.1, NM_001405724.1); c.1217A>G, p.Lys406Arg (NM_001405729.1); c.1373A>G, p.Lys458Arg (NM_001405730.1); c.917A>G, p.Lys306Arg (NM_001405731.1); c.630+1280A>G (NM_138559.2, NM_001405732.1); and 5 more; short protein forms K306R, K458R, K637R, K551R, K406R, K585R, K485R, K526R.
Identifiers: ClinVar variation 5006313 (VCV005006313.2).
Genomic context (GRCh38, chr2:60,461,002, plus strand): 5'-GAGTACACGTTCTCCGTGTTGGGCATCGCGGCCGGGGGCAGGTCGAACTCCTTCTCGAGC[T>C]TGATGCGCTTAGAGAAGGGGCTCAGCGAGCTGGGGCTGCCCAGCAGCAGCTTTTTGGACA-3'
Protein context (NP_075044.2, residues 627-647): SSLSPFSKRI[Lys637Arg]LEKEFDLPPA

ClinVar aggregate classification (germline): Uncertain significance (1 of 4 stars; one submission).

Conditions:
Dias-Logan syndrome. Also called: INTELLECTUAL DEVELOPMENTAL DISORDER WITH HEREDITARY PERSISTENCE OF FETAL HEMOGLOBIN; Intellectual developmental disorder with persistence of fetal hemoglobin. Identifiers: Orphanet 619233, MedGen C4310833, MONDO:0014914, OMIM 617101.

Submission:

Juno Genomics, Hangzhou Juno Genomics, Inc
Classification: Uncertain significance for Dias-Logan syndrome. Review status: criteria provided, single submitter. Criteria: ACMG Guidelines, 2015. Collection method: clinical testing. Allele origin: germline.
Comment: Absent from controls (or at extremely low frequency if recessive) in Genome Aggregation Database.;Missense variant in a gene that has a low rate of benign missense variation.